The following is an entry in ClinVar:

NM_000540.3(RYR1):c.2320G>A (p.Gly774Arg)

Gene: RYR1 (ryanodine receptor 1; plus strand). Cytogenetic location: 19q13.2.
Variant type: single nucleotide variant.
Coding change: c.2320G>A on transcript NM_000540.3 (MANE Select); coding-DNA position 2320, G replaced by A.
Protein change: p.Gly774Arg; replaces glycine 774 with arginine.
Molecular consequence: missense variant.
Genome position (GRCh38, 1-based): chr19:38,459,298, G>A. VCF-style: chr19-38459298-G-A. GRCh37 (hg19) VCF-style: chr19-38949938-G-A.
Other names: c.2320G>A, p.Gly774Arg (NM_001042723.2); short protein forms G774R.
Identifiers: ClinVar variation 496666 (VCV000496666.46), dbSNP rs147918857, ClinGen allele CA063103.

ClinVar aggregate classification (germline): Uncertain significance. Review status: criteria provided, multiple submitters, no conflicts (2 of 4 stars). 13 submissions from 13 submitters: Uncertain significance (11). 2 of the submissions do not count toward it. Last evaluated 2025-12-29.

Conditions:
Malignant hyperthermia of anesthesia. Also called: Anesthesic-triggered malignant hyperthermia. Identifiers: Orphanet 423, MedGen C0024591, MONDO:0018493, HP:0034733.
Central core myopathy (CMYO1A). Also called: CONGENITAL MYOPATHY 1A, AUTOSOMAL DOMINANT, WITH SUSCEPTIBILITY TO MALIGNANT HYPERTHERMIA; Central core disease; Myopathy, central fibrillar. Identifiers: Orphanet 597, MedGen C5830701, MONDO:0007294, OMIM 117000.
Malignant hyperthermia, susceptibility to, 1 (MHS1). Also called: Malignant hyperthermia suceptibility 1; Anesthesia related hyperthermia; Malignant hyperpyrexia; Fulminating hyperpyrexia; Pharmacogenic myopathy; RYR1-Related Malignant Hyperthermia Susceptibility. Identifiers: Orphanet 423, MedGen C2930980, MONDO:0007783, OMIM 145600.
Congenital multicore myopathy with external ophthalmoplegia (CMYO1B). Also called: MULTIMINICORE DISEASE WITH EXTERNAL OPHTHALMOPLEGIA; MULTICORE MYOPATHY; Congenital myopathy 1B, autosomal recessive; Minicore myopathy; Minicore myopathy with external ophthalmoplegia. Identifiers: Orphanet 598, Orphanet 98905, MedGen C1850674, MONDO:0009712, OMIM 255320, HP:0003789.
King Denborough syndrome (KDS). Identifiers: MedGen C1840365, MONDO:0020485, OMIM 619542.
Congenital myopathy with fiber type disproportion. Also called: Congenital fiber-type disproportion; Congenital fiber-type disproportion myopathy. Identifiers: Orphanet 2020, MedGen C0546264, MONDO:0009711. Inheritance: all.
RYR1-related disorder. Also called: RYR1-related condition; RYR1-related disorders. Identifiers: MedGen CN239331.
RYR1-related myopathy. Identifiers: Orphanet 98742, MedGen CN305348, MONDO:0100150.

Allele frequency attached by ClinVar (database versions not stated): TOPMed 0.00011; ESP Exome Variant Server 0.00015; gnomAD 0.00019; gnomAD exomes 0.00027; 1000 Genomes Project 30x 0.00031; ExAC 0.00031.
gnomAD v4.1: 378 of 1,614,058 alleles (0.023%); highest among the groups gnomAD compares: Non-Finnish European, 0.03%; no homozygotes.

Submissions 1 to 8 of 13:

GeneDx
Classification: Uncertain significance. Last evaluated: 2025-12-29. Review status: criteria provided, single submitter. Criteria: GeneDx Variant Classification Process June 2021. Collection method: clinical testing. Allele origin: germline. Affected: yes.
Comment: Identified in a fetus with multiple congenital anomalies; however, a second RYR1 variant was not detected and information regarding parental testing was not available (PMID: 32304219); In silico analysis supports that this missense variant has a deleterious effect on protein structure/function; This variant is associated with the following publications: (PMID: 30325262, 32304219, 37937776, 32236737, 24627108, 27545679)

PreventionGenetics, part of Exact Sciences
Classification: Uncertain significance for RYR1-related condition. Last evaluated: 2025-07-03. Review status: criteria provided, single submitter. Criteria: ACMG Guidelines, 2015. Collection method: clinical testing. Allele origin: germline.
Comment: The RYR1 c.2320G>A variant is predicted to result in the amino acid substitution p.Gly774Arg. This variant was identified in a fetus with multiple congenital anomalies, however the clinical significance of this variant was uncertain (Becher et al. 2020. PubMed ID: 32304219). To our knowledge, this variant has not been reported in the literature in individuals with RYR1-related disorders. This variant is reported in 0.050% of alleles in individuals of European (non-Finnish) descent in gnomAD, which may be too frequent to be a primary cause of autosomal dominant disease. Although we suspect this variant is could be benign, at this time, the clinical significance of the c.2320G>A (p.Gly774Arg) variant is uncertain due to the absence of conclusive evidence.

All of Us Research Program, National Institutes of Health
Classification: Uncertain significance for Malignant hyperthermia, susceptibility to, 1. Last evaluated: 2024-09-23. Review status: criteria provided, single submitter. Criteria: ACMG Guidelines, 2015. Collection method: clinical testing. Allele origin: germline. Inheritance: Autosomal dominant inheritance. Observed: 70 variant alleles, 70 heterozygotes.
Comment: This missense variant replaces glycine with arginine at codon 774 of the RYR1 protein. Computational prediction is inconclusive regarding the impact of this variant on protein structure and function (internally defined REVEL score threshold 0.5 < inconclusive < 0.7, PMID: 27666373). To our knowledge, functional studies have not been reported for this variant. This variant has not been reported in individuals affected with RYR1-related disorders in the literature. This variant has been identified in 71/282750 chromosomes in the general population by the Genome Aggregation Database (gnomAD). The available evidence is insufficient to determine the role of this variant in disease conclusively. Therefore, this variant is classified as a Variant of Uncertain Significance.

This study involves interpretation of variants in research participants for the purpose of population health screening. Participant phenotype was not available at the time of variant classification. Additional details can be found in publication PMID: 35346344, PMCID: PMC8962531

Color Diagnostics, LLC DBA Color Health
Classification: Uncertain significance for Malignant hyperthermia, susceptibility to, 1. Last evaluated: 2024-05-20. Review status: criteria provided, single submitter. Criteria: ACMG Guidelines, 2015. Collection method: clinical testing. Allele origin: germline.
Comment: This missense variant replaces glycine with arginine at codon 774 of the RYR1 protein. Computational prediction is inconclusive regarding the impact of this variant on protein structure and function. To our knowledge, functional studies have not been reported for this variant. This variant has been reported in an individual affected with rhabdomyolysis without malignant hypethermia susceptibility (PMID: 32236737). This variant has been identified in 71/282750 chromosomes in the general population by the Genome Aggregation Database (gnomAD). The available evidence is insufficient to determine the role of this variant in disease conclusively. Therefore, this variant is classified as a Variant of Uncertain Significance.

Molecular Genetics, Royal Melbourne Hospital
Classification: Uncertain significance for RYR1-related myopathy. Last evaluated: 2024-02-05. Review status: criteria provided, single submitter. Criteria: ACMG Guidelines, 2015. Collection method: clinical testing. Allele origin: germline. Inheritance: Autosomal recessive inheritance.
Comment: This sequence change in RYR1 is predicted to replace glycine with arginine at codon 774, p.(Gly774Arg). The glycine residue is highly conserved (100 vertebrates, UCSC), and is located in exon 19. There is a large physicochemical difference between glycine and arginine. The highest population minor allele frequency in gnomAD v4.0 is 0.03% (354/1,180,014 alleles) in the European (non-Finnish) population. This variant has been observed heterozygous in multiple individuals with inconsistent phenotypes or an alternative cause of disease was identified (PMID: 24627108, 27545679, 30325262, 32304219), and has been reported compound heterozygous (confirmed in trans) with a variant of uncertain significance in an individual with global developmental delay (DECIPHER). This variant has been observed in at least one individual with a negative in vitro contracture test (PMID: 32236737). Computational evidence is uninformative for the missense substitution (REVEL = 0.623). Based on the classification scheme RMH Modified ACMG Guidelines v1.6.1, this variant is classified as a VARIANT OF UNCERTAIN SIGNIFICANCE. Following criteria are met: PM2_Supporting.

Revvity Omics, Revvity
Classification: Uncertain significance. Last evaluated: 2024-01-26. Review status: criteria provided, single submitter. Criteria: ACMG Guidelines, 2015. Collection method: clinical testing. Allele origin: germline.

CeGaT Center for Human Genetics Tuebingen
Classification: Uncertain significance. Last evaluated: 2023-11-01. Review status: criteria provided, single submitter. Criteria: CeGaT Center For Human Genetics Tuebingen Variant Classification Criteria Version 2. Collection method: clinical testing. Allele origin: germline. Affected: yes. Observed: 2 variant alleles.
Comment: RYR1: PP3

Labcorp Genetics (formerly Invitae), Labcorp
Classification: Uncertain significance for RYR1-related disorder. Last evaluated: 2022-10-01. Review status: criteria provided, single submitter. Criteria: Invitae Variant Classification Sherloc (09022015). Collection method: clinical testing. Allele origin: germline.
Comment: This sequence change replaces glycine, which is neutral and non-polar, with arginine, which is basic and polar, at codon 774 of the RYR1 protein (p.Gly774Arg). This variant is present in population databases (rs147918857, gnomAD 0.05%). This variant has not been reported in the literature in individuals affected with RYR1-related conditions. ClinVar contains an entry for this variant (Variation ID: 496666). Advanced modeling of protein sequence and biophysical properties (such as structural, functional, and spatial information, amino acid conservation, physicochemical variation, residue mobility, and thermodynamic stability) has been performed at Invitae for this missense variant, however the output from this modeling did not meet the statistical confidence thresholds required to predict the impact of this variant on RYR1 protein function. Algorithms developed to predict the effect of sequence changes on RNA splicing suggest that this variant may create or strengthen a splice site. In summary, the available evidence is currently insufficient to determine the role of this variant in disease. Therefore, it has been classified as a Variant of Uncertain Significance.